The following is an entry in ClinVar:

NM_016628.5(WAC):c.1405del (p.Ile469fs)

Gene: WAC (WW domain containing adaptor with coiled-coil; plus strand). Cytogenetic location: 10p12.1.
Variant type: Deletion.
Coding change: c.1405del on transcript NM_016628.5 (MANE Select); coding-DNA position 1405, one base deleted (A; older notation c.1405delA).
Protein change: p.Ile469fs; shifts the reading frame from isoleucine 469.
Molecular consequence: frameshift variant.
Genome position (GRCh38, 1-based): chr10:28,611,890, A deleted. VCF-style (leftmost placement, unchanged base first): chr10-28611889-GA-G. GRCh37 (hg19) VCF-style: chr10-28900818-GA-G.
Other names: c.1270del, p.Ile424fs (NM_100264.3); c.1096del, p.Ile366fs (NM_100486.4); short protein forms I366fs, I424fs, I469fs.
Identifiers: ClinVar variation 3600381 (VCV003600381.1).

ClinVar aggregate classification (germline): Pathogenic (1 of 4 stars; one submission).

Conditions:
DeSanto-Shinawi syndrome due to WAC point mutation (DESSH). Also called: DEVELOPMENTAL DELAY, BEHAVIORAL ABNORMALITIES, FACIAL DYSMORPHISM, AND OCULAR ABNORMALITIES; Facial dysmorphism-developmental delay-behavioral abnormalities syndrome due to WAC point mutation; WAC-Related Intellectual Disability. Identifiers: Orphanet 284169, Orphanet 466950, MedGen C5681129, MONDO:0014741, OMIM 616708.

Submission:

Clinical Genomics Laboratory, Washington University in St. Louis
Classification: Pathogenic for DeSanto-Shinawi syndrome due to WAC point mutation. Last evaluated: 2024-11-15. Review status: criteria provided, single submitter. Criteria: ACMG Guidelines, 2015. Collection method: clinical testing. Allele origin: germline. Affected: yes.
Comment: The WAC c.1405del (p.Ile469Serfs*16) variant, to our knowledge, has not been reported in the medical literature. This variant causes a frameshift by deleting one nucleotide, leading to a premature termination codon, which is predicted to lead to nonsense mediated decay. This variant is absent from the general population (gnomAD v.2.1.1), indicating it is not a common variant. Based on available information and the ACMG/AMP guidelines for variant interpretation (Richards S et al., PMID: 25741868), this variant is classified as pathogenic.